The following is an entry in ClinVar:

NM_004994.3(MMP9):c.1108C>T (p.Arg370Cys)

Gene: MMP9 (matrix metallopeptidase 9; plus strand). Cytogenetic location: 20q13.12.
Variant type: single nucleotide variant.
Coding change: c.1108C>T on transcript NM_004994.3 (MANE Select); coding-DNA position 1108, C replaced by T.
Protein change: p.Arg370Cys; replaces arginine 370 with cysteine.
Molecular consequence: missense variant.
Genome position (GRCh38, 1-based): chr20:46,012,247, C>T. VCF-style: chr20-46012247-C-T. GRCh37 (hg19) VCF-style: chr20-44640886-C-T.
Other names: short protein forms R370C.
Identifiers: ClinVar variation 1451118 (VCV001451118.8), dbSNP rs958279746, ClinGen allele CA315635733.

ClinVar aggregate classification (germline): Uncertain significance (1 of 4 stars; one submission).

Allele frequency attached by ClinVar (database versions not stated): gnomAD exomes below 0.00001.

Submission:

Labcorp Genetics (formerly Invitae), Labcorp
Classification: Uncertain significance. Last evaluated: 2025-07-13. Review status: criteria provided, single submitter. Criteria: Invitae Variant Classification Sherloc (09022015). Collection method: clinical testing. Allele origin: germline.
Comment: This sequence change replaces arginine, which is basic and polar, with cysteine, which is neutral and slightly polar, at codon 370 of the MMP9 protein (p.Arg370Cys). This variant is present in population databases (no rsID available, gnomAD 0.003%). This variant has not been reported in the literature in individuals affected with MMP9-related conditions. ClinVar contains an entry for this variant (Variation ID: 1451118). Invitae Evidence Modeling of protein sequence and biophysical properties (such as structural, functional, and spatial information, amino acid conservation, physicochemical variation, residue mobility, and thermodynamic stability) indicates that this missense variant is not expected to disrupt MMP9 protein function with a negative predictive value of 80%. In summary, the available evidence is currently insufficient to determine the role of this variant in disease. Therefore, it has been classified as a Variant of Uncertain Significance.